The following is an entry in ClinVar:

NM_017760.7(NCAPG2):c.2249A>G (p.His750Arg)

Gene: NCAPG2 (non-SMC condensin II complex subunit G2; minus strand). Cytogenetic location: 7q36.3.
Variant type: single nucleotide variant.
Coding change: c.2249A>G on transcript NM_017760.7 (MANE Select); coding-DNA position 2249, A replaced by G.
Protein change: p.His750Arg; replaces histidine 750 with arginine.
Molecular consequence: missense variant. On other transcripts: non-coding transcript variant (1).
Genome position (GRCh38, 1-based): chr7:158,656,399, T>C on the plus strand (A>G on the coding strand, the complement: NCAPG2 is on the minus strand). VCF-style: chr7-158656399-T-C. GRCh37 (hg19) VCF-style: chr7-158449091-T-C.
Other names: c.2249A>G (NM_001281933.1); c.2249A>G, p.His750Arg (NM_001281932.2, NM_001281933.2); short protein forms H750R.
Identifiers: ClinVar variation 218741 (VCV000218741.6), dbSNP rs199564693, ClinGen allele CA248948.

ClinVar aggregate classification (germline): Conflicting classifications of pathogenicity. Review status: criteria provided, conflicting classifications (1 of 4 stars). 5 submissions from 5 submitters: Uncertain significance (3); Likely benign (1). 1 of the submissions does not count toward it. Last evaluated 2024-11-05.

Conditions:
NCAPG2-related disorder. Also called: NCAPG2-related condition.
Khan-Khan-Katsanis syndrome. Also called: 3K SYNDROME. Identifiers: MedGen C5193110, MONDO:0032764, OMIM 618460.

Allele frequency attached by ClinVar (database versions not stated): ESP Exome Variant Server 0.00041; gnomAD exomes 0.00041 and 0.00055; ExAC 0.00046; 1000 Genomes Project 30x 0.00047; gnomAD 0.00058 and 0.00059; 1000 Genomes Project 0.00060; TOPMed 0.00082.
gnomAD v4.1: 749 of 1,614,230 alleles (0.046%); highest among the groups gnomAD compares: Middle Eastern, 1.3%; 5 homozygotes.

Submissions (5):

Blueprint Genetics
Classification: Likely benign. Last evaluated: 2024-11-05. Review status: criteria provided, single submitter. Criteria: ACMG Guidelines, 2015. Collection method: clinical testing. Allele origin: germline.

Department of Pathology and Laboratory Medicine, Sinai Health System
Classification: Uncertain significance for Khan-Khan-Katsanis syndrome. Last evaluated: 2023-01-23. Review status: criteria provided, single submitter. Criteria: ACMG Guidelines, 2015. Collection method: research. Allele origin: germline.

Genomic Diagnostic Laboratory, Division of Genomic Diagnostics, Children's Hospital of Philadelphia
Classification: Uncertain significance. Last evaluated: 2015-06-05. Review status: criteria provided, single submitter. Criteria: DGD Variant Analysis Guidelines. Collection method: clinical testing. Allele origin: unknown.

Breakthrough Genomics
Classification: Uncertain significance. Review status: criteria provided, single submitter. Criteria: ACMG Guidelines, 2015. Collection method: not provided. Allele origin: germline. Inheritance: Autosomal recessive inheritance. Affected: yes.

PreventionGenetics, part of Exact Sciences
Classification: Likely benign for NCAPG2-related condition. Last evaluated: 2019-05-21. Review status: no assertion criteria provided. Collection method: clinical testing. Allele origin: germline. Not counted in ClinVar's aggregate classification.
Comment: This variant is classified as likely benign based on ACMG/AMP sequence variant interpretation guidelines (Richards et al. 2015 PMID: 25741868, with internal and published modifications).